The following is an entry in ClinVar:

NM_025233.7(COASY):c.1628G>A (p.Arg543His)

Gene: COASY (Coenzyme A synthase; plus strand). Cytogenetic location: 17q21.2.
Variant type: single nucleotide variant.
Coding change: c.1628G>A on transcript NM_025233.7 (MANE Select); coding-DNA position 1628, G replaced by A.
Protein change: p.Arg543His; replaces arginine 543 with histidine.
Molecular consequence: missense variant.
Genome position (GRCh38, 1-based): chr17:42,565,801, G>A. VCF-style: chr17-42565801-G-A. GRCh37 (hg19) VCF-style: chr17-40717819-G-A.
Other names: c.1628G>A, p.Arg543His (NM_001042529.3); c.1715G>A, p.Arg572His (NM_001042532.4); c.1715G>A (NM_001042532.2); short protein forms R572H, R543H.
Identifiers: ClinVar variation 1480948 (VCV001480948.7), dbSNP rs769272758, ClinGen allele CA8578409.

ClinVar aggregate classification (germline): Uncertain significance. Review status: criteria provided, multiple submitters, no conflicts (2 of 4 stars). 3 submissions from 3 submitters: Uncertain significance (3). Last evaluated 2025-02-22.

Conditions:
Neurodegeneration with brain iron accumulation 6 (NBIA6). Also called: COASY protein-associated neurodegeneration. Identifiers: Orphanet 397725, MedGen C4517377, MONDO:0014290, OMIM 615643.
Pontocerebellar hypoplasia, type 12. Identifiers: Orphanet 611256, MedGen C4748873, MONDO:0032643, OMIM 618266.

Allele frequency attached by ClinVar (database versions not stated): gnomAD exomes 0.00005; ExAC 0.00002; TOPMed 0.00006; gnomAD 0.00003.
gnomAD v4.1: 71 of 1,613,762 alleles (0.0044%); highest among the groups gnomAD compares: Non-Finnish European, 0.0052%; no homozygotes.

Submissions (3):

Ambry Genetics
Classification: Uncertain significance. Last evaluated: 2025-02-22. Review status: criteria provided, single submitter. Criteria: Ambry Variant Classification Scheme 2023. Collection method: clinical testing. Allele origin: germline.

Fulgent Genetics
Classification: Uncertain significance for Neurodegeneration with brain iron accumulation 6; Pontocerebellar hypoplasia, type 12. Last evaluated: 2024-01-03. Review status: criteria provided, single submitter. Criteria: ACMG Guidelines, 2015. Collection method: clinical testing. Allele origin: germline.

Labcorp Genetics (formerly Invitae), Labcorp
Classification: Uncertain significance for Neurodegeneration with brain iron accumulation 6. Last evaluated: 2021-12-02. Review status: criteria provided, single submitter. Criteria: Invitae Variant Classification Sherloc (09022015). Collection method: clinical testing. Allele origin: germline.
Comment: This sequence change replaces arginine, which is basic and polar, with histidine, which is basic and polar, at codon 543 of the COASY protein (p.Arg543His). This variant is present in population databases (rs769272758, gnomAD 0.01%). This variant has not been reported in the literature in individuals affected with COASY-related conditions. Algorithms developed to predict the effect of missense changes on protein structure and function output the following: SIFT: "Tolerated"; PolyPhen-2: "Benign"; Align-GVGD: "Class C0". The histidine amino acid residue is found in multiple mammalian species, which suggests that this missense change does not adversely affect protein function. In summary, the available evidence is currently insufficient to determine the role of this variant in disease. Therefore, it has been classified as a Variant of Uncertain Significance.